The following is an entry in ClinVar:

NM_020964.3(EPG5):c.3982G>A (p.Gly1328Arg)

Gene: EPG5 (ectopic P-granules 5 autophagy tethering factor; minus strand). Cytogenetic location: 18q21.1.
Variant type: single nucleotide variant.
Coding change: c.3982G>A on transcript NM_020964.3 (MANE Select); coding-DNA position 3982, G replaced by A.
Protein change: p.Gly1328Arg; replaces glycine 1328 with arginine.
Molecular consequence: missense variant.
Genome position (GRCh38, 1-based): chr18:45,912,291, C>T on the plus strand (G>A on the coding strand, the complement: EPG5 is on the minus strand). VCF-style: chr18-45912291-C-T. GRCh37 (hg19) VCF-style: chr18-43492256-C-T.
Other names: c.3982G>A, p.Gly1328Arg (NM_001410858.1, NM_001410859.1); short protein forms G1328R.
Identifiers: ClinVar variation 4999273 (VCV004999273.2).

ClinVar aggregate classification (germline): Uncertain significance. Review status: criteria provided, multiple submitters, no conflicts (2 of 4 stars). 2 submissions from 2 submitters: Uncertain significance (2). Last evaluated 2026-03-26.

Conditions:
EPG5-related disorder. Also called: EPG5-related condition. Identifiers: MedGen CN381528.

gnomAD v4.1: 11 of 1,585,676 alleles (0.00069%); highest among the groups gnomAD compares: Non-Finnish European, 0.00094%; no homozygotes.

Submissions (2):

PreventionGenetics, part of Exact Sciences
Classification: Uncertain significance for EPG5-related condition. Last evaluated: 2026-03-26. Review status: criteria provided, single submitter. Criteria: ACMG Guidelines, 2015. Collection method: clinical testing. Allele origin: germline.
Comment: The EPG5 c.3982G>A variant is predicted to result in the amino acid substitution p.Gly1328Arg. To our knowledge, this variant has not been reported in the literature. This variant is reported in 0.0019% of alleles in individuals of European (Non-Finnish) descent in gnomAD. At this time, the clinical significance of this variant is uncertain due to the absence of conclusive functional and genetic evidence.

GeneDx
Classification: Uncertain significance. Last evaluated: 2026-03-13. Review status: criteria provided, single submitter. Criteria: GeneDx Variant Classification Process June 2021. Collection method: clinical testing. Allele origin: germline.
Comment: Not observed at significant frequency in large population cohorts (gnomAD); In silico analysis supports that this missense variant has a deleterious effect on protein structure/function; Has not been previously published as pathogenic or benign to our knowledge